The following is an entry in ClinVar:

NM_002386.4(MC1R):c.917G>A (p.Arg306His)

Gene: MC1R (melanocortin 1 receptor; plus strand). Cytogenetic location: 16q24.3.
Variant type: single nucleotide variant.
Coding change: c.917G>A on transcript NM_002386.4 (MANE Select); coding-DNA position 917, G replaced by A.
Protein change: p.Arg306His; replaces arginine 306 with histidine.
Molecular consequence: missense variant.
Genome position (GRCh38, 1-based): chr16:89,920,175, G>A. VCF-style: chr16-89920175-G-A. GRCh37 (hg19) VCF-style: chr16-89986583-G-A.
Other names: short protein forms R306H.
Identifiers: ClinVar variation 470716 (VCV000470716.15), dbSNP rs368507952, ClinGen allele CA8255813.

ClinVar aggregate classification (germline): Conflicting classifications of pathogenicity. Review status: criteria provided, conflicting classifications (1 of 4 stars). 3 submissions from 3 submitters: Uncertain significance (2); Benign (1). Last evaluated 2025-09-22.

Conditions:
Melanoma, cutaneous malignant, susceptibility to, 5. Also called: Cutaneous malignant melanoma 5. Identifiers: Orphanet 618, MedGen C2751295, MONDO:0013133, OMIM 613099.
Tyrosinase-positive oculocutaneous albinism (OCA2). Also called: Oculocutaneous albinism type 2; Albinism, oculocutaneous, type II; ALBINISM II. Identifiers: Orphanet 79432, MedGen C0268495, MONDO:0008746, OMIM 203200.

Allele frequency attached by ClinVar (database versions not stated): gnomAD 0.00016 and 0.00018; TOPMed 0.00017; ExAC 0.00023; gnomAD exomes 0.00025 and 0.00036; 1000 Genomes Project 30x 0.00031; 1000 Genomes Project 0.00040; ESP Exome Variant Server 0.00040.

Submissions (3):

Labcorp Genetics (formerly Invitae), Labcorp
Classification: Uncertain significance for Melanoma, cutaneous malignant, susceptibility to, 5. Last evaluated: 2025-09-22. Review status: criteria provided, single submitter. Criteria: Invitae Variant Classification Sherloc (09022015). Collection method: clinical testing. Allele origin: germline.
Comment: This sequence change replaces arginine, which is basic and polar, with histidine, which is basic and polar, at codon 306 of the MC1R protein (p.Arg306His). This variant is present in population databases (rs368507952, gnomAD 0.1%), and has an allele count higher than expected for a pathogenic variant. This missense change has been observed in individual(s) with melanoma or oculocutaneous albinism (PMID: 16982779, 19269164, 23312576, 23360207, 24982914, 37956964). It has also been observed to segregate with oculocutaneous albinism in a single family (PMID: 23312576), but the clinical significance of this finding is uncertain. ClinVar contains an entry for this variant (Variation ID: 470716). Invitae Evidence Modeling of protein sequence and biophysical properties (such as structural, functional, and spatial information, amino acid conservation, physicochemical variation, residue mobility, and thermodynamic stability) indicates that this missense variant is expected to disrupt MC1R protein function with a positive predictive value of 80%. In summary, the available evidence is currently insufficient to determine the role of this variant in disease. Therefore, it has been classified as a Variant of Uncertain Significance.

3billion
Classification: Uncertain significance for Tyrosinase-positive oculocutaneous albinism. Last evaluated: 2024-07-01. Review status: criteria provided, single submitter. Criteria: ACMG Guidelines, 2015. Collection method: clinical testing. Allele origin: germline. Affected: yes.
Comment: The variant is observed at an extremely low frequency in the gnomAD v4.0.0 dataset (total allele frequency: 0.034%). Predicted Consequence/Location: The majority of the known disease-causing variants of this gene are variants expected to result in premature termination of the protein. The same nucleotide change resulting in the same amino acid change has been previously reported to be associated with MC1R related disorder (PMID: 16645598). Therefore, this variant is classified as VUS according to the recommendation of ACMG/AMP guideline.

Illumina Laboratory Services, Illumina
Classification: Benign for Melanoma, cutaneous malignant, susceptibility to, 5. Last evaluated: 2017-09-08. Review status: criteria provided, single submitter. Criteria: ICSL Variant Classification Criteria 13 December 2019. Collection method: clinical testing. Allele origin: germline.
Comment: This variant was observed as part of a predisposition screen in an ostensibly healthy population. A literature search was performed for the gene, cDNA change, and amino acid change (where applicable). Publications were found based on this search. The evidence from the literature, in combination with allele frequency data from public databases where available, was sufficient to rule this variant out of causing disease. Therefore, this variant is classified as benign.

Literature cited by the submitters: PubMed 16982779 (cited by Labcorp Genetics (formerly Invitae), Labcorp); PubMed 19269164 (cited by Labcorp Genetics (formerly Invitae), Labcorp and Illumina Laboratory Services, Illumina); PubMed 23312576 (cited by Labcorp Genetics (formerly Invitae), Labcorp and Illumina Laboratory Services, Illumina); PubMed 23360207 (cited by Labcorp Genetics (formerly Invitae), Labcorp); PubMed 24982914 (cited by Labcorp Genetics (formerly Invitae), Labcorp); PubMed 37956964 (cited by Labcorp Genetics (formerly Invitae), Labcorp); PubMed 16645598 (cited by 3billion and Illumina Laboratory Services, Illumina).